The following is an entry in ClinVar:

NM_002769.5(PRSS1):c.69G>T (p.Lys23Asn)

Genes: PRSS1 (serine protease 1; plus strand), TRB (T cell receptor beta locus; plus strand). Cytogenetic location: 7q34.
Variant type: single nucleotide variant.
Coding change: c.69G>T on transcript NM_002769.5 (MANE Select); coding-DNA position 69, G replaced by T.
Protein change: p.Lys23Asn; replaces lysine 23 with asparagine.
Molecular consequence: missense variant. On other transcripts: non-coding transcript variant (2).
Genome position (GRCh38, 1-based): chr7:142,750,583, G>T. VCF-style: chr7-142750583-G-T. GRCh37 (hg19) VCF-style: chr7-142458434-G-T.
Other names: short protein forms K23N.
Identifiers: ClinVar variation 4843166 (VCV004843166.1).

ClinVar aggregate classification (germline): Uncertain significance (1 of 4 stars; one submission).

Conditions:
Hereditary pancreatitis (PCTT). Also called: Hereditary chronic pancreatitis; PRSS1-Related Hereditary Pancreatitis. Identifiers: Orphanet 676, MedGen C0238339, MONDO:0008185, OMIM 167800.

Submission:

Ambry Genetics
Classification: Uncertain significance for Hereditary pancreatitis. Last evaluated: 2026-03-08. Review status: criteria provided, single submitter. Criteria: Ambry Variant Classification Scheme 2023. Collection method: clinical testing. Allele origin: germline.
Comment: The p.K23N variant (also known as c.69G>T), located in coding exon 2 of the PRSS1 gene, results from a G to T substitution at nucleotide position 69. The lysine at codon 23 is replaced by asparagine, an amino acid with similar properties. This amino acid position is conserved. In addition, the in silico prediction for this alteration is inconclusive. Based on the available evidence, the clinical significance of this variant remains unclear.